The following is an entry in ClinVar:

ClinVar aggregate classification (germline): Uncertain significance (1 of 4 stars; one submission).

Conditions:
Inborn genetic diseases. Identifiers: MedGen C0950123, MeSH D030342.

Submission:

Ambry Genetics
Classification: Uncertain significance for Inborn genetic diseases. Last evaluated: 2026-01-04. Review status: criteria provided, single submitter. Criteria: Ambry Variant Classification Scheme 2023. Collection method: clinical testing. Allele origin: germline.
Comment: The p.G56A variant (also known as c.167G>C), located in coding exon 2 of the BMPR2 gene, results from a G to C substitution at nucleotide position 167. The glycine at codon 56 is replaced by alanine, an amino acid with similar properties. This amino acid position is conserved. In addition, the in silico prediction for this alteration is inconclusive. Based on the available evidence, the clinical significance of this variant remains unclear.

NM_001204.7(BMPR2):c.167G>C (p.Gly56Ala)

Gene: BMPR2 (bone morphogenetic protein receptor type 2; plus strand). Cytogenetic location: 2q33.1.
Variant type: single nucleotide variant.
Coding change: c.167G>C on transcript NM_001204.7 (MANE Select); coding-DNA position 167, G replaced by C.
Protein change: p.Gly56Ala; replaces glycine 56 with alanine.
Molecular consequence: missense variant.
Genome position (GRCh38, 1-based): chr2:202,464,899, G>C. VCF-style: chr2-202464899-G-C. GRCh37 (hg19) VCF-style: chr2-203329622-G-C.
Other names: short protein forms G56A.
Identifiers: ClinVar variation 4843374 (VCV004843374.1).
Genomic context (GRCh38, chr2:202,464,899, plus strand): 5'-TTAAAGATCCGTATCAGCAAGACCTTGGGATAGGTGAGAGTAGAATCTCTCATGAAAATG[G>C]GACAATATTATGCTCGAAAGGTAGCACCTGCTATGGCCTTTGGGAGAAATCAAAAGGGGA-3'
Protein context (NP_001195.2, residues 46-66): IGESRISHEN[Gly56Ala]TILCSKGSTC